The following is an entry in ClinVar:

ClinVar aggregate classification (germline): Conflicting classifications of pathogenicity. Review status: criteria provided, conflicting classifications (1 of 4 stars). 5 submissions from 5 submitters: Uncertain significance (4); Likely benign (1). Last evaluated 2025-11-03.

Conditions:
DSP-related disorder. Also called: DSP-related disorders; DSP-related condition.
Cardiovascular phenotype. Identifiers: MedGen CN230736.
Arrhythmogenic right ventricular dysplasia 8 (ARVD8). Also called: Arrhythmogenic Right Ventricular Dysplasia/Cardiomyopathy 8; ARRHYTHMOGENIC RIGHT VENTRICULAR DYSPLASIA, FAMILIAL, 8; ARRHYTHMOGENIC RIGHT VENTRICULAR CARDIOMYOPATHY 8. Identifiers: MedGen C1843896, MONDO:0011831, OMIM 607450.
Arrhythmogenic cardiomyopathy with wooly hair and keratoderma. Also called: Arrhythmogenic cardiomyopathy with woolly hair and keratoderma; PALMOPLANTAR KERATODERMA WITH LEFT VENTRICULAR CARDIOMYOPATHY AND WOOLLY HAIR; Carvajal syndrome; Dilated cardiomyopathy with woolly hair and keratoderma. Identifiers: Orphanet 65282, MedGen C1854063, MONDO:0011581, OMIM 605676.
Cardiomyopathy (CMYO). Also called: Cardiomyopathies. Identifiers: Orphanet 167848, MedGen C0878544, MONDO:0004994, HP:0001638. Inheritance: Various modes of inheritance.

Allele frequency attached by ClinVar (database versions not stated): gnomAD exomes below 0.00001 and 0.00001; ExAC 0.00002; gnomAD 0.00002; TOPMed 0.00002.
gnomAD v4.1: 9 of 1,614,012 alleles (0.00056%); highest among the groups gnomAD compares: African/African-American, 0.0053%; no homozygotes.

Submissions (5):

PreventionGenetics, part of Exact Sciences
Classification: Uncertain significance for DSP-related condition. Last evaluated: 2025-11-03. Review status: criteria provided, single submitter. Criteria: ACMG Guidelines, 2015. Collection method: clinical testing. Allele origin: germline.
Comment: The DSP c.2443A>G variant is predicted to result in the amino acid substitution p.Lys815Glu. To our knowledge, this variant has not been reported in the literature. This variant is reported in 0.0040% of alleles in individuals of African descent in gnomAD. At this time, the clinical significance of this variant is uncertain due to the absence of conclusive functional and genetic evidence.

All of Us Research Program, National Institutes of Health
Classification: Uncertain significance for Arrhythmogenic cardiomyopathy with wooly hair and keratoderma. Last evaluated: 2024-08-06. Review status: criteria provided, single submitter. Criteria: ACMG Guidelines, 2015. Collection method: clinical testing. Allele origin: germline. Inheritance: Autosomal dominant inheritance. Observed: 3 variant alleles, 3 heterozygotes.
Comment: This missense variant replaces lysine with glutamic acid at codon 815 of the DSP protein. Computational prediction is inconclusive regarding the impact of this variant on protein structure and function (internally defined REVEL score threshold 0.5 < inconclusive < 0.7, PMID: 27666373). To our knowledge, functional studies have not been reported for this variant. This variant has not been reported in individuals affected with cardiovascular disorders in the literature. This variant has been identified in 3/282716 chromosomes in the general population by the Genome Aggregation Database (gnomAD). The available evidence is insufficient to determine the role of this variant in disease conclusively. Therefore, this variant is classified as a Variant of Uncertain Significance.

This study involves interpretation of variants in research participants for the purpose of population health screening. Participant phenotype was not available at the time of variant classification. Additional details can be found in publication PMID: 35346344, PMCID: PMC8962531

Labcorp Genetics (formerly Invitae), Labcorp
Classification: Likely benign for Arrhythmogenic cardiomyopathy with wooly hair and keratoderma; Arrhythmogenic right ventricular dysplasia 8. Last evaluated: 2024-06-28. Review status: criteria provided, single submitter. Criteria: Invitae Variant Classification Sherloc (09022015). Collection method: clinical testing. Allele origin: germline.

Color Diagnostics, LLC DBA Color Health
Classification: Uncertain significance for Cardiomyopathy. Last evaluated: 2024-03-06. Review status: criteria provided, single submitter. Criteria: ACMG Guidelines, 2015. Collection method: clinical testing. Allele origin: germline.
Comment: This missense variant replaces lysine with glutamic acid at codon 815 of the DSP protein. Computational prediction is inconclusive regarding the impact of this variant on protein structure and function (internally defined REVEL score threshold 0.5 < inconclusive < 0.7, PMID: 27666373). To our knowledge, functional studies have not been reported for this variant. This variant has not been reported in individuals affected with cardiovascular disorders in the literature. This variant has been identified in 3/282716 chromosomes in the general population by the Genome Aggregation Database (gnomAD). The available evidence is insufficient to determine the role of this variant in disease conclusively. Therefore, this variant is classified as a Variant of Uncertain Significance.

Ambry Genetics
Classification: Uncertain significance for Cardiovascular phenotype. Last evaluated: 2023-03-09. Review status: criteria provided, single submitter. Criteria: Ambry Variant Classification Scheme 2023. Collection method: clinical testing. Allele origin: germline.
Comment: The p.K815E variant (also known as c.2443A>G), located in coding exon 18 of the DSP gene, results from an A to G substitution at nucleotide position 2443. The lysine at codon 815 is replaced by glutamic acid, an amino acid with similar properties. This amino acid position is highly conserved in available vertebrate species. In addition, this alteration is predicted to be deleterious by in silico analysis. Since supporting evidence is limited at this time, the clinical significance of this alteration remains unclear.

NM_004415.4(DSP):c.2443A>G (p.Lys815Glu)

Gene: DSP (desmoplakin; plus strand). Cytogenetic location: 6p24.3.
Variant type: single nucleotide variant.
Coding change: c.2443A>G on transcript NM_004415.4 (MANE Select); coding-DNA position 2443, A replaced by G.
Protein change: p.Lys815Glu; replaces lysine 815 with glutamic acid.
Molecular consequence: missense variant.
Genome position (GRCh38, 1-based): chr6:7,575,301, A>G. VCF-style: chr6-7575301-A-G. GRCh37 (hg19) VCF-style: chr6-7575534-A-G.
Other names: c.2443A>G (LRG_423t1, NM_004415.3); c.2443A>G, p.Lys815Glu (NM_001008844.3, NM_001319034.2); short protein forms K815E.
Identifiers: ClinVar variation 465886 (VCV000465886.22), dbSNP rs774638728, ClinGen allele CA033510.